The following is an entry in ClinVar:

NM_001042492.3(NF1):c.5001T>A (p.Pro1667=)

Gene: NF1 (neurofibromin 1; plus strand). Cytogenetic location: 17q11.2.
Variant type: single nucleotide variant.
Coding change: c.5001T>A on transcript NM_001042492.3 (MANE Select); coding-DNA position 5001, T replaced by A.
Protein change: p.Pro1667=; no amino-acid change (proline 1667 retained).
Molecular consequence: synonymous variant.
Genome position (GRCh38, 1-based): chr17:31,325,985, T>A. VCF-style: chr17-31325985-T-A. GRCh37 (hg19) VCF-style: chr17-29653003-T-A.
Other names: c.4938T>A, p.Pro1646= (NM_000267.4).
Identifiers: ClinVar variation 2018825 (VCV002018825.4), dbSNP rs2151538064, ClinGen allele CA499233012.

ClinVar aggregate classification (germline): Uncertain significance (1 of 4 stars; one submission).

Conditions:
Neurofibromatosis, type 1 (NF1). Also called: NEUROFIBROMATOSIS, TYPE I, SOMATIC; Neurofibromatosis, type I; Peripheral type neurofibromatosis; VON RECKLINGHAUSEN DISEASE. Identifiers: Orphanet 636, MedGen C0027831, MONDO:0018975, OMIM 162200. Disease mechanism: loss of function.

Submission:

Labcorp Genetics (formerly Invitae), Labcorp
Classification: Uncertain significance for Neurofibromatosis, type 1. Last evaluated: 2022-07-22. Review status: criteria provided, single submitter. Criteria: Invitae Variant Classification Sherloc (09022015). Collection method: clinical testing. Allele origin: germline.
Comment: In summary, the available evidence is currently insufficient to determine the role of this variant in disease. Therefore, it has been classified as a Variant of Uncertain Significance. Algorithms developed to predict the effect of sequence changes on RNA splicing suggest that this variant may create or strengthen a splice site. This variant has not been reported in the literature in individuals affected with NF1-related conditions. This variant is not present in population databases (gnomAD no frequency). This sequence change affects codon 1646 of the NF1 mRNA. It is a 'silent' change, meaning that it does not change the encoded amino acid sequence of the NF1 protein.